The following is an entry in ClinVar:

NM_145239.3(PRRT2):c.880-1G>T

Genes: MVP-DT (MVP divergent transcript; minus strand), PRRT2 (proline rich transmembrane protein 2; plus strand). Cytogenetic location: 16p11.2.
Variant type: single nucleotide variant.
Coding change: c.880-1G>T on transcript NM_145239.3 (MANE Select); the canonical splice acceptor site of the intron before coding-DNA position 880, G replaced by T.
Molecular consequence: splice acceptor variant. On other transcripts: 3 prime UTR variant (1).
Genome position (GRCh38, 1-based): chr16:29,814,332, G>T. VCF-style: chr16-29814332-G-T. GRCh37 (hg19) VCF-style: chr16-29825653-G-T.
Other names: c.*378G>T (NM_001256443.2); c.880-1G>T (NM_001256442.2).
Identifiers: ClinVar variation 649036 (VCV000649036.10), dbSNP rs1596893952, ClinGen allele CA395480451.

ClinVar aggregate classification (germline): Pathogenic. Review status: criteria provided, multiple submitters, no conflicts (2 of 4 stars). 2 submissions from 2 submitters: Pathogenic (2). Last evaluated 2021-06-24.

Conditions:
Episodic kinesigenic dyskinesia (EKD). Also called: Paroxysmal kinesigenic dyskinesia. Identifiers: Orphanet 98809, MedGen C1868682, MONDO:0044202.
Infantile convulsions and choreoathetosis (ICCA). Also called: PAROXYSMAL KINESIGENIC DYSKINESIA WITH INFANTILE CONVULSIONS; PRRT2-Related Paroxysmal Kinesigenic Dyskinesia with Infantile Convulsions (PKD/IC). Identifiers: Orphanet 31709, MedGen C1865926, MONDO:0011178, OMIM 602066.

Submissions (2):

Laboratory of Medical Genetics, National & Kapodistrian University of Athens
Classification: Pathogenic for Infantile convulsions and choreoathetosis. Last evaluated: 2021-06-24. Review status: criteria provided, single submitter. Criteria: ACMG Guidelines, 2015. Collection method: clinical testing. Allele origin: de novo. Affected: yes.
Comment: PVS1, PS2, PM2, PP3, PP5

Labcorp Genetics (formerly Invitae), Labcorp
Classification: Pathogenic for Episodic kinesigenic dyskinesia. Last evaluated: 2020-03-03. Review status: criteria provided, single submitter. Criteria: Invitae Variant Classification Sherloc (09022015). Collection method: clinical testing. Allele origin: germline.
Comment: For these reasons, this variant has been classified as Pathogenic. Donor and acceptor splice site variants typically lead to a loss of protein function (PMID: 16199547), and loss-of-function variants in PRRT2 are known to be pathogenic (PMID: 22623405, 22744660). Algorithms developed to predict the effect of sequence changes on RNA splicing suggest that this variant may disrupt the consensus splice site, but this prediction has not been confirmed by published transcriptional studies. Disruption of this splice site has been observed in individual(s) with PRRT2-related conditions (PMID: 29132464, Invitae). This variant is not present in population databases (ExAC no frequency). This sequence change affects an acceptor splice site in intron 2 of the PRRT2 gene. It is expected to disrupt RNA splicing and likely results in an absent or disrupted protein product.

Literature cited by the submitters: PubMed 16199547 (cited by Labcorp Genetics (formerly Invitae), Labcorp); PubMed 22623405 (cited by Labcorp Genetics (formerly Invitae), Labcorp); PubMed 22744660 (cited by Labcorp Genetics (formerly Invitae), Labcorp); PubMed 29132464 (cited by Labcorp Genetics (formerly Invitae), Labcorp).